The following is an entry in ClinVar:

ClinVar aggregate classification (germline): Uncertain significance (1 of 4 stars; one submission).

Submission:

GeneDx
Classification: Uncertain significance. Last evaluated: 2023-11-29. Review status: criteria provided, single submitter. Criteria: GeneDx Variant Classification Process June 2021. Collection method: clinical testing. Allele origin: germline. Affected: yes.
Comment: Not observed at significant frequency in large population cohorts (gnomAD); Frameshift variant predicted to result in abnormal protein length as the last 5 amino acids are replaced with 73 different amino acids; Has not been previously published as pathogenic or benign to our knowledge

NM_001853.4(COL9A3):c.2034_2037dup (p.Gly680fs)

Gene: COL9A3 (collagen type IX alpha 3 chain; plus strand). Cytogenetic location: 20q13.33.
Variant type: Duplication.
Coding change: c.2034_2037dup on transcript NM_001853.4 (MANE Select); coding-DNA positions 2034 to 2037, 4 bases duplicated (ATCA; older notation c.2034_2037dupATCA).
Protein change: p.Gly680fs; shifts the reading frame from glycine 680.
Molecular consequence: frameshift variant.
Genome position (GRCh38, 1-based): chr20:62,840,711-62,840,714, ATCA duplicated; duplicating any 4 consecutive bases within chr20:62,840,710-62,840,714 gives the same sequence; the c. name uses the placement nearest the transcript's 3' end. VCF-style (leftmost placement, unchanged base first): chr20-62840709-A-AAATC. GRCh37 (hg19) VCF-style: chr20-61472061-A-AAATC.
Other names: c.2034_2037dup, p.Gly680fs (LRG_1253t1); c.2034_2037dup (NM_001853.3); short protein forms G680fs.
Identifiers: ClinVar variation 632379 (VCV000632379.5), dbSNP rs1190301717, ClinGen allele CA746407999.
Genomic context (GRCh38, chr20:62,840,709, plus strand): 5'-ACACCGGGGATCTGCGACACCTCAGCCTGCCAAGGAGCCGTGTTAGGAGGGGTCGGGGAG[A>AAATC]AATCAGGCTCTCGAAGCTCATAAAATTCAACGTGAGGAAGCAAGTGACAAGGACGCCCGA-3'